The following is an entry in ClinVar:

NM_000038.6(APC):c.5003A>G (p.Glu1668Gly)

Gene: APC (APC regulator of Wnt signaling pathway; plus strand). Cytogenetic location: 5q22.2.
Variant type: single nucleotide variant.
Coding change: c.5003A>G on transcript NM_000038.6 (MANE Select); coding-DNA position 5003, A replaced by G.
Protein change: p.Glu1668Gly; replaces glutamic acid 1668 with glycine.
Molecular consequence: missense variant.
Genome position (GRCh38, 1-based): chr5:112,840,597, A>G. VCF-style: chr5-112840597-A-G. GRCh37 (hg19) VCF-style: chr5-112176294-A-G.
Other names: c.5003A>G, p.Glu1668Gly (NM_001127510.3, NM_001354895.2); c.4949A>G, p.Glu1650Gly (NM_001127511.3); c.5057A>G, p.Glu1686Gly (NM_001354896.2); c.5033A>G, p.Glu1678Gly (NM_001354897.2); c.4928A>G, p.Glu1643Gly (NM_001354898.2); c.4919A>G, p.Glu1640Gly (NM_001354899.2); c.4880A>G, p.Glu1627Gly (NM_001354900.2); c.4826A>G, p.Glu1609Gly (NM_001354901.2); and 5 more; short protein forms E1385G, E1609G, E1640G, E1643G, E1686G, E1508G, E1542G, E1567G.
Identifiers: ClinVar variation 653217 (VCV000653217.11), dbSNP rs1580655157, ClinGen allele CA16032280.

ClinVar aggregate classification (germline): Uncertain significance. Review status: criteria provided, multiple submitters, no conflicts (2 of 4 stars). 2 submissions from 2 submitters: Uncertain significance (2). Last evaluated 2026-02-18.

Conditions:
Familial adenomatous polyposis 1 (FAP1). Also called: FAMILIAL ADENOMATOUS POLYPOSIS 1, ATTENUATED; POLYPOSIS, ADENOMATOUS INTESTINAL. Identifiers: MedGen C2713442, MONDO:0021056, OMIM 175100. Disease mechanism: loss of function.
Hereditary cancer-predisposing syndrome. Also called: Neoplastic Syndromes, Hereditary; Hereditary neoplastic syndrome; Tumor predisposition; Hereditary Cancer Syndrome. Identifiers: Orphanet 140162, MedGen C0027672, MeSH D009386, MONDO:0015356.

Submissions (2):

Ambry Genetics
Classification: Uncertain significance for Hereditary cancer-predisposing syndrome. Last evaluated: 2026-02-18. Review status: criteria provided, single submitter. Criteria: Ambry Variant Classification Scheme 2023. Collection method: clinical testing. Allele origin: germline.
Comment: The p.E1668G variant (also known as c.5003A>G), located in coding exon 15 of the APC gene, results from an A to G substitution at nucleotide position 5003. The glutamic acid at codon 1668 is replaced by glycine, an amino acid with similar properties. This amino acid position is highly conserved in available vertebrate species. In addition, in silico predictors for this gene do not accurately predict pathogenicity. Missense variants in APC are not a common cause of disease (Spier I et al. Genet Med. 2024 Feb;26(2):100992). Based on the available evidence, the clinical significance of this variant remains unclear.

Labcorp Genetics (formerly Invitae), Labcorp
Classification: Uncertain significance for Familial adenomatous polyposis 1. Last evaluated: 2024-02-14. Review status: criteria provided, single submitter. Criteria: Invitae Variant Classification Sherloc (09022015). Collection method: clinical testing. Allele origin: germline.
Comment: This sequence change replaces glutamic acid, which is acidic and polar, with glycine, which is neutral and non-polar, at codon 1668 of the APC protein (p.Glu1668Gly). This variant is not present in population databases (gnomAD no frequency). This variant has not been reported in the literature in individuals affected with APC-related conditions. ClinVar contains an entry for this variant (Variation ID: 653217). Advanced modeling of protein sequence and biophysical properties (such as structural, functional, and spatial information, amino acid conservation, physicochemical variation, residue mobility, and thermodynamic stability) performed at Invitae indicates that this missense variant is not expected to disrupt APC protein function with a negative predictive value of 95%. In summary, the available evidence is currently insufficient to determine the role of this variant in disease. Therefore, it has been classified as a Variant of Uncertain Significance.